The following is an entry in ClinVar:

ClinVar aggregate classification (germline): Pathogenic. Review status: criteria provided, multiple submitters, no conflicts (2 of 4 stars). 6 submissions from 6 submitters: Pathogenic (4). 2 of the submissions do not count toward it. Last evaluated 2026-09-11.

Conditions:
SCN4A-related non-dystrophic myotonia.
Paramyotonia congenita of Von Eulenburg. Also called: Paramyotonia Congenita; PARALYSIS PERIODICA PARAMYOTONICA; Eulenburg disease; Myotonia congenita intermittens; Von Eulenburg paramyotonia congenita. Identifiers: Orphanet 684, MedGen C0221055, MONDO:0008195, OMIM 168300. Disease mechanism: loss of function.
Hyperkalemic periodic paralysis. Also called: Familial hyperkalemic periodic paralysis; Gamstorp disease. Identifiers: Orphanet 682, MedGen C0238357, MONDO:0008224, OMIM 170500, HP:0007215.

Submissions (6):

GeneDx
Classification: Pathogenic. Last evaluated: 2026-09-11. Review status: criteria provided, single submitter. Criteria: GeneDx Variant Classification Process June 2021. Collection method: clinical testing. Allele origin: germline.
Comment: Not observed at significant frequency in large population cohorts (gnomAD); In silico analysis supports that this missense variant has a deleterious effect on protein structure/function; This variant is associated with the following publications: (PMID: 20301669, 12933953, 8902732, 39843441, 20076800, 26494408, 19015492, 31400134, 31453854, 31567646, 32670189, 32849172, 33263785, 32593548, 35907044, 35741838, 36796140, 22926674)

3billion
Classification: Pathogenic for Paramyotonia congenita of Von Eulenburg. Last evaluated: 2025-07-10. Review status: criteria provided, single submitter. Criteria: ACMG Guidelines, 2015. Collection method: clinical testing. Allele origin: germline. Affected: yes.
Comment: The variant is not observed in the gnomAD v4.1.0 dataset. Predicted Consequence/Location: Missense variant Functional studies provide strong evidence of the variant having a damaging effect on the gene or gene product (PMID: 9508833). In silico tool predictions suggest damaging effect of the variant on gene or gene product [REVEL: 0.97 (>=0.6, sensitivity 0.68 and specificity 0.92); 3Cnet: 0.85 (> 0.75, sensitivity 0.96 and precision 0.92)]. The same nucleotide change resulting in the same amino acid change has been previously reported as pathogenic/likely pathogenic with strong evidence (ClinVar ID: VCV000005923 /PMID: 8902732 /3billion dataset). The variant has been reported to co-segregate with the disease in at least 5 similarly affected relatives/individuals in the same family or similarly affected unrelated families (PMID: 8902732). Different missense changes at the same codon (p.Ile693Leu, p.Ile693Met, p.Ile693Ser) have been reported to be associated with SCN4A-related disorder (ClinVar ID: VCV001918174 /PMID: 22257501, 25088311, 28662944). Therefore, this variant is classified as Pathogenic according to the recommendation of ACMG/AMP guideline.

Labcorp Genetics (formerly Invitae), Labcorp
Classification: Pathogenic for Hyperkalemic periodic paralysis. Last evaluated: 2024-12-08. Review status: criteria provided, single submitter. Criteria: Invitae Variant Classification Sherloc (09022015). Collection method: clinical testing. Allele origin: germline.
Comment: This sequence change replaces isoleucine, which is neutral and non-polar, with threonine, which is neutral and polar, at codon 693 of the SCN4A protein (p.Ile693Thr). This variant is not present in population databases (gnomAD no frequency). This missense change has been observed in individuals with hyperkalemic periodic paralysis and/or paramyotonia congenita (PMID: 2649440, 8902732, 19015492, 20076800, 22926674). It has also been observed to segregate with disease in related individuals. ClinVar contains an entry for this variant (Variation ID: 5923). Invitae Evidence Modeling of protein sequence and biophysical properties (such as structural, functional, and spatial information, amino acid conservation, physicochemical variation, residue mobility, and thermodynamic stability) indicates that this missense variant is expected to disrupt SCN4A protein function with a positive predictive value of 95%. Experimental studies have shown that this missense change affects SCN4A function (PMID: 9508833). For these reasons, this variant has been classified as Pathogenic.

Athena Diagnostics
Classification: Pathogenic. Last evaluated: 2018-01-09. Review status: criteria provided, single submitter. Criteria: Athena Diagnostics Criteria. Collection method: clinical testing. Allele origin: germline.

Department of Neurology and Geriatrics, Kagoshima University Graduate School of Medical and Dental Sciences
Classification: Pathogenic for SCN4A-related non-dystrophic myotonia. Last evaluated: 2022-04-06. Review status: no assertion criteria provided. Collection method: research. Allele origin: germline. Affected: yes. Not counted in ClinVar's aggregate classification.

OMIM
Classification: Pathogenic for PARAMYOTONIA CONGENITA. Last evaluated: 2008-11-18. Review status: no assertion criteria provided. Collection method: literature only. Allele origin: germline. Not counted in ClinVar's aggregate classification.

Literature cited by the submitters: PubMed 22257501 (cited by 3billion and Athena Diagnostics); PubMed 8902732 (cited by 3 submitters); PubMed 9508833 (cited by 3 submitters); PubMed 2649440 (cited by Labcorp Genetics (formerly Invitae), Labcorp); PubMed 19015492 (cited by 3 submitters); PubMed 20076800 (cited by Labcorp Genetics (formerly Invitae), Labcorp and Athena Diagnostics); PubMed 22926674 (cited by Labcorp Genetics (formerly Invitae), Labcorp and Athena Diagnostics); PubMed 11971097 (cited by Athena Diagnostics); PubMed 27714768 (cited by Athena Diagnostics); PubMed 26494408 (cited by Athena Diagnostics); PubMed 15389891 (cited by Athena Diagnostics); PubMed 10227633 (cited by Athena Diagnostics); PubMed 22643347 (cited by Athena Diagnostics).

NM_000334.4(SCN4A):c.2078T>C (p.Ile693Thr)

Genes: GH-LCR (growth hormone locus control region; plus strand), SCN4A (sodium voltage-gated channel alpha subunit 4; minus strand). Cytogenetic location: 17q23.3.
Variant type: single nucleotide variant.
Coding change: c.2078T>C on transcript NM_000334.4 (MANE Select); coding-DNA position 2078, T replaced by C.
Protein change: p.Ile693Thr; replaces isoleucine 693 with threonine.
Molecular consequence: missense variant.
Genome position (GRCh38, 1-based): chr17:63,957,460, A>G on the plus strand (T>C on the coding strand, the complement: SCN4A is on the minus strand). VCF-style: chr17-63957460-A-G. GRCh37 (hg19) VCF-style: chr17-62034820-A-G.
Other names: short protein forms I693T.
Identifiers: ClinVar variation 5923 (VCV000005923.19), dbSNP rs80338956, ClinGen allele CA117855.